The following is an entry in ClinVar:

ClinVar aggregate classification (germline): Conflicting classifications of pathogenicity. Review status: criteria provided, conflicting classifications (1 of 4 stars). 2 submissions from 2 submitters: Likely pathogenic (1); Uncertain significance (1). Last evaluated 2025-03-26.

Conditions:
Mowat-Wilson syndrome (MOWS). Also called: Classic Mowat-Wilson Syndrome. Identifiers: Orphanet 2152, MedGen C1856113, MONDO:0009341, OMIM 235730.

Submissions (2):

3billion
Classification: Uncertain significance for Mowat-Wilson syndrome. Last evaluated: 2025-03-26. Review status: criteria provided, single submitter. Criteria: ACMG Guidelines, 2015. Collection method: clinical testing. Allele origin: germline. Affected: yes.

GeneDx
Classification: Likely pathogenic. Last evaluated: 2024-05-17. Review status: criteria provided, single submitter. Criteria: GeneDx Variant Classification Process June 2021. Collection method: clinical testing. Allele origin: germline. Affected: yes.
Comment: Not observed at significant frequency in large population cohorts (gnomAD); In silico analysis supports that this missense variant has a deleterious effect on protein structure/function; Has not been previously published as pathogenic or benign to our knowledge

NM_014795.4(ZEB2):c.3200C>T (p.Ser1067Leu)

Gene: ZEB2 (zinc finger E-box binding homeobox 2; minus strand). Cytogenetic location: 2q22.3.
Variant type: single nucleotide variant.
Coding change: c.3200C>T on transcript NM_014795.4 (MANE Select); coding-DNA position 3200, C replaced by T.
Protein change: p.Ser1067Leu; replaces serine 1067 with leucine.
Molecular consequence: missense variant.
Genome position (GRCh38, 1-based): chr2:144,389,896, G>A on the plus strand (C>T on the coding strand, the complement: ZEB2 is on the minus strand). VCF-style: chr2-144389896-G-A. GRCh37 (hg19) VCF-style: chr2-145147463-G-A.
Other names: c.3128C>T, p.Ser1043Leu (NM_001171653.2); short protein forms S1043L, S1067L.
Identifiers: ClinVar variation 3378196 (VCV003378196.2).